The following is an entry in ClinVar:

ClinVar aggregate classification (germline): Uncertain significance (1 of 4 stars; one submission).

Conditions:
Familial cancer of breast. Also called: BREAST CANCER, FAMILIAL; Hereditary breast cancer; hereditary breast carcinoma. Identifiers: Orphanet 227535, MedGen C0346153, MONDO:0016419, OMIM 114480. Disease mechanism: loss of function.

Submission:

Labcorp Genetics (formerly Invitae), Labcorp
Classification: Uncertain significance for Familial cancer of breast. Last evaluated: 2025-11-03. Review status: criteria provided, single submitter. Criteria: Invitae Variant Classification Sherloc (09022015). Collection method: clinical testing. Allele origin: germline.
Comment: This sequence change replaces serine, which is neutral and polar, with alanine, which is neutral and non-polar, at codon 548 of the PALB2 protein (p.Ser548Ala). This variant is not present in population databases (gnomAD no frequency). This variant has not been reported in the literature in individuals affected with PALB2-related conditions. Invitae Evidence Modeling of protein sequence and biophysical properties (such as structural, functional, and spatial information, amino acid conservation, physicochemical variation, residue mobility, and thermodynamic stability) indicates that this missense variant is not expected to disrupt PALB2 protein function with a negative predictive value of 80%. In summary, the available evidence is currently insufficient to determine the role of this variant in disease. Therefore, it has been classified as a Variant of Uncertain Significance.

NM_024675.4(PALB2):c.1642T>G (p.Ser548Ala)

Gene: PALB2 (partner and localizer of BRCA2; minus strand). Cytogenetic location: 16p12.2.
Variant type: single nucleotide variant.
Coding change: c.1642T>G on transcript NM_024675.4 (MANE Select); coding-DNA position 1642, T replaced by G.
Protein change: p.Ser548Ala; replaces serine 548 with alanine.
Molecular consequence: missense variant. On other transcripts: intron variant (3).
Genome position (GRCh38, 1-based): chr16:23,634,904, A>C on the plus strand (T>G on the coding strand, the complement: PALB2 is on the minus strand). VCF-style: chr16-23634904-A-C. GRCh37 (hg19) VCF-style: chr16-23646225-A-C.
Other names: c.1582T>G, p.Ser528Ala (NM_001407296.1); c.1642T>G, p.Ser548Ala (NM_001407297.1, NM_001407298.1, NM_001407299.1 and 3 more transcripts); c.757T>G, p.Ser253Ala (NM_001407304.1, NM_001407305.1, NM_001407306.1 and 5 more transcripts); c.49-5629T>G (NM_001407314.1); c.-104-4435T>G (NM_001407313.1, NM_001407312.1); short protein forms S253A, S528A, S548A.
Identifiers: ClinVar variation 4742273 (VCV004742273.1).